The following is an entry in ClinVar:

ClinVar aggregate classification (germline): Uncertain significance (1 of 4 stars; one submission).

Conditions:
Cardiovascular phenotype. Identifiers: MedGen CN230736.

Submission:

Ambry Genetics
Classification: Uncertain significance for Cardiovascular phenotype. Last evaluated: 2025-08-19. Review status: criteria provided, single submitter. Criteria: Ambry Variant Classification Scheme 2023. Collection method: clinical testing. Allele origin: germline.
Comment: The p.A504T variant (also known as c.1510G>A), located in coding exon 11 of the ABCG5 gene, results from a G to A substitution at nucleotide position 1510. The alanine at codon 504 is replaced by threonine, an amino acid with similar properties. This amino acid position is conserved. In addition, this alteration is predicted to be tolerated by in silico analysis. Based on the available evidence, the clinical significance of this variant remains unclear.

NM_022436.3(ABCG5):c.1510G>A (p.Ala504Thr)

Genes: ABCG5 (ATP binding cassette subfamily G member 5; minus strand), DYNC2LI1 (dynein cytoplasmic 2 light intermediate chain 1; plus strand). Cytogenetic location: 2p21.
Variant type: single nucleotide variant.
Coding change: c.1510G>A on transcript NM_022436.3 (MANE Select); coding-DNA position 1510, G replaced by A.
Protein change: p.Ala504Thr; replaces alanine 504 with threonine.
Molecular consequence: missense variant. On other transcripts: intron variant (2).
Genome position (GRCh38, 1-based): chr2:43,820,054, C>T on the plus strand (G>A on the coding strand, the complement: ABCG5 is on the minus strand). VCF-style: chr2-43820054-C-T. GRCh37 (hg19) VCF-style: chr2-44047193-C-T.
Other names: c.*16-7332C>T (NM_001348913.2, NM_001348912.2); short protein forms A504T.
Identifiers: ClinVar variation 4147205 (VCV004147205.1).
Genomic context (GRCh38, chr2:43,820,054, plus strand): 5'-CGATACCAAGTAGCACAAGAGTTAGAAATTCACCAATTAAGTGGGGGGCCAAGAGAGCAG[C>T]AGAAAAATATCCAAATCGGGCAACCTCAGGATGTAAGCCCAGCGTCCTAGAAAAGCATAA-3'
Protein context (NP_071881.1, residues 494-514): PEVARFGYFS[Ala504Thr]ALLAPHLIGE